The following is an entry in ClinVar:

NM_001378454.1(ALMS1):c.2629A>G (p.Asn877Asp)

Gene: ALMS1 (ALMS1 centrosome and basal body associated protein; plus strand). Cytogenetic location: 2p13.1.
Variant type: single nucleotide variant.
Coding change: c.2629A>G on transcript NM_001378454.1 (MANE Select); coding-DNA position 2629, A replaced by G.
Protein change: p.Asn877Asp; replaces asparagine 877 with aspartic acid.
Molecular consequence: missense variant.
Genome position (GRCh38, 1-based): chr2:73,449,156, A>G. VCF-style: chr2-73449156-A-G. GRCh37 (hg19) VCF-style: chr2-73676283-A-G.
Other names: c.2632A>G, p.Asn878Asp (NM_015120.4); short protein forms N878D, N877D.
Identifiers: ClinVar variation 459860 (VCV000459860.15), dbSNP rs776351580, ClinGen allele CA1713388.

ClinVar aggregate classification (germline): Conflicting classifications of pathogenicity. Review status: criteria provided, conflicting classifications (1 of 4 stars). 6 submissions from 6 submitters: Uncertain significance (3); Likely benign (1). 2 of the submissions do not count toward it. Last evaluated 2025-04-02.

Conditions:
Cardiovascular phenotype. Identifiers: MedGen CN230736.
Alstrom syndrome (ALMS). Identifiers: Orphanet 64, MedGen C0268425, MONDO:0008763, OMIM 203800.

Allele frequency attached by ClinVar (database versions not stated): ExAC 0.00001; gnomAD exomes 0.00002 and 0.00006; gnomAD 0.00003 and 0.00005; TOPMed 0.00004.

Submissions (6):

Ambry Genetics
Classification: Likely benign for Cardiovascular phenotype. Last evaluated: 2025-04-02. Review status: criteria provided, single submitter. Criteria: Ambry Variant Classification Scheme 2023. Collection method: clinical testing. Allele origin: germline.

GeneDx
Classification: Uncertain significance. Last evaluated: 2025-03-19. Review status: criteria provided, single submitter. Criteria: GeneDx Variant Classification Process June 2021. Collection method: clinical testing. Allele origin: germline. Affected: yes.
Comment: Has not been previously published as pathogenic or benign to our knowledge; Not observed at significant frequency in large population cohorts (gnomAD); In silico analysis indicates that this missense variant does not alter protein structure/function

Labcorp Genetics (formerly Invitae), Labcorp
Classification: Uncertain significance for Alstrom syndrome. Last evaluated: 2022-08-21. Review status: criteria provided, single submitter. Criteria: Invitae Variant Classification Sherloc (09022015). Collection method: clinical testing. Allele origin: germline.
Comment: This sequence change replaces asparagine, which is neutral and polar, with aspartic acid, which is acidic and polar, at codon 878 of the ALMS1 protein (p.Asn878Asp). This variant is present in population databases (rs776351580, gnomAD 0.003%). This variant has not been reported in the literature in individuals affected with ALMS1-related conditions. ClinVar contains an entry for this variant (Variation ID: 459860). Algorithms developed to predict the effect of missense changes on protein structure and function output the following: SIFT: "Not Available"; PolyPhen-2: "Not Available"; Align-GVGD: "Not Available". The aspartic acid amino acid residue is found in multiple mammalian species, which suggests that this missense change does not adversely affect protein function. In summary, the available evidence is currently insufficient to determine the role of this variant in disease. Therefore, it has been classified as a Variant of Uncertain Significance.

Fulgent Genetics
Classification: Uncertain significance for Alstrom syndrome. Last evaluated: 2021-11-16. Review status: criteria provided, single submitter. Criteria: ACMG Guidelines, 2015. Collection method: clinical testing. Allele origin: unknown.

Natera, Inc.
Classification: Uncertain significance for Alstrom syndrome. Last evaluated: 2020-09-16. Review status: no assertion criteria provided. Collection method: clinical testing. Allele origin: germline. Not counted in ClinVar's aggregate classification.

Counsyl
Classification: Uncertain significance for Alstrom syndrome. Last evaluated: 2017-05-23. Review status: no assertion criteria provided. Collection method: clinical testing. Allele origin: unknown. Not counted in ClinVar's aggregate classification.